The following is an entry in ClinVar:

ClinVar aggregate classification (germline): Conflicting classifications of pathogenicity. Review status: criteria provided, conflicting classifications (1 of 4 stars). 5 submissions from 5 submitters: Pathogenic (1); Likely pathogenic (2); Uncertain significance (1). 1 of the submissions does not count toward it. Last evaluated 2025-08-15.

Conditions:
Walker-Warburg congenital muscular dystrophy. Also called: Muscular dystrophy-dystroglycanopathy, type A; Walker-Warburg syndrome. Identifiers: Orphanet 899, MedGen C0265221, MONDO:0000171.
Dilated cardiomyopathy 1X (CMD1X). Also called: CARDIOMYOPATHY, DILATED, WITH MILD OR NO PROXIMAL MUSCLE WEAKNESS; FKTN-Related Dilated Cardiomyopathy. Identifiers: Orphanet 154, MedGen C1969024, MONDO:0012704, OMIM 611615.

Allele frequency attached by ClinVar (database versions not stated): gnomAD exomes below 0.00001.
gnomAD v4.1: 1 of 1,613,974 alleles (0.000062%); highest among the groups gnomAD compares: East Asian, 0.0022%; no homozygotes.

Submissions (5):

Natera, Inc.
Classification: Likely pathogenic for Walker-Warburg congenital muscular dystrophy. Last evaluated: 2025-08-15. Review status: criteria provided, single submitter. Criteria: Natera Variant Classification Schema (03/2026). Collection method: clinical testing. Allele origin: germline.
Comment: The c.536G>C variant in FKTN is a missense variant predicted to cause substitution of arginine to threonine at amino acid 179. This variant is rare in the general population with a frequency below the threshold expected for the associated phenotype(s). This variant has been observed in one or more individuals affected with the associated recessive disease, as either homozygous or compound heterozygous with a second variant (PMID: 17036286, 27521547, 33200426). Additionally, this variant has been observed to segregate in affected family members (PMID: 17036286). Computational prediction algorithms indicate this variant is likely to affect gene or protein function. Given the available evidence, this variant is classified as Likely Pathogenic.

Baylor Genetics
Classification: Pathogenic for Dilated cardiomyopathy 1X. Last evaluated: 2023-04-22. Review status: criteria provided, single submitter. Criteria: ACMG Guidelines, 2015. Collection method: clinical testing. Allele origin: unknown.

Labcorp Genetics (formerly Invitae), Labcorp
Classification: Uncertain significance for Walker-Warburg congenital muscular dystrophy. Last evaluated: 2022-05-27. Review status: criteria provided, single submitter. Criteria: Invitae Variant Classification Sherloc (09022015). Collection method: clinical testing. Allele origin: germline.
Comment: This sequence change replaces arginine, which is basic and polar, with threonine, which is neutral and polar, at codon 179 of the FKTN protein (p.Arg179Thr). This variant is not present in population databases (gnomAD no frequency). This missense change has been observed in individual(s) with clinical features of FKTN-related conditions (PMID: 17036286, 27521547). ClinVar contains an entry for this variant (Variation ID: 3210). Advanced modeling of protein sequence and biophysical properties (such as structural, functional, and spatial information, amino acid conservation, physicochemical variation, residue mobility, and thermodynamic stability) performed at Invitae indicates that this missense variant is expected to disrupt FKTN protein function. In summary, the available evidence is currently insufficient to determine the role of this variant in disease. Therefore, it has been classified as a Variant of Uncertain Significance.

GeneDx
Classification: Likely pathogenic. Last evaluated: 2016-12-19. Review status: criteria provided, single submitter. Criteria: GeneDx Variant Classification (06012015). Collection method: clinical testing. Allele origin: germline. Affected: yes.
Comment: The R179T variant in the FKTN gene has been reported previously in the heterozygous state in individuals with Fukuyama congenital muscular dystrophy who were also heterozygous for the common insertion in the 3' untranslated region of FKTN; however, phase was not proven in most of these individuals and in vitro functional studies were not included (Murakami et al., 2006; Amiya et al., 2016). Cardiomyopathy was the primary presenting feature in all individuals; muscular, cognitive, neurological, and ocular abnormalities were minimal or absent (Murakami et al., 2006; Amiya et al., 2016). The R179T variant was not observed in approximately 6500 individuals of European and African American ancestry in the NHLBI Exome Sequencing Project, indicating it is not a common benign variant in these populations. The R179T variant is a semi-conservative amino acid substitution, which may impact secondary protein structure as these residues differ in some properties. This substitution occurs at a position that is conserved across species and in silico analysis predicts this variant is probably damaging to the protein structure/function. The R179T variant is a strong candidate for a pathogenic variant, however the possibility it may be a rare benign variant cannot be excluded.

OMIM
Classification: Pathogenic for CARDIOMYOPATHY, DILATED, 1X. Last evaluated: 2006-11-01. Review status: no assertion criteria provided. Collection method: literature only. Allele origin: germline. Not counted in ClinVar's aggregate classification.

Literature cited by the submitters: PubMed 17036286 (cited by 3 submitters); PubMed 27521547 (cited by Natera, Inc. and Labcorp Genetics (formerly Invitae), Labcorp); PubMed 33200426 (cited by Natera, Inc.).

NM_001079802.2(FKTN):c.536G>C (p.Arg179Thr)

Gene: FKTN (fukutin; plus strand). Cytogenetic location: 9q31.2.
Variant type: single nucleotide variant.
Coding change: c.536G>C on transcript NM_001079802.2 (MANE Select); coding-DNA position 536, G replaced by C.
Protein change: p.Arg179Thr; replaces arginine 179 with threonine.
Molecular consequence: missense variant. On other transcripts: non-coding transcript variant (2).
Genome position (GRCh38, 1-based): chr9:105,604,381, G>C. VCF-style: chr9-105604381-G-C. GRCh37 (hg19) VCF-style: chr9-108366662-G-C.
Other names: c.536G>C, p.Arg179Thr (NM_001198963.2, NM_001351496.2, NM_001351498.2 and 1 more transcripts); c.467G>C, p.Arg156Thr (NM_001351497.2); c.140G>C, p.Arg47Thr (NM_001351499.2, NM_001351500.2, NM_001351501.2 and 1 more transcripts); short protein forms R179T, R156T, R47T.
Identifiers: ClinVar variation 3210 (VCV000003210.5), dbSNP rs119463994, ClinGen allele CA252619.
Genomic context (GRCh38, chr9:105,604,381, plus strand): 5'-CCCTGCACTATATCTGCAAACTGGCCACTCATGCGATCCACTTGGTAGTCTTTCATGAGA[G>C]GAGTGGCAACTACCTCTGGCACGGCCACTTGAGACTTAAAGAACACATTGACAGGAAATT-3'
Protein context (NP_001073270.1, residues 169-189): HAIHLVVFHE[Arg179Thr]SGNYLWHGHL